The following is an entry in ClinVar:

ClinVar aggregate classification (germline): Likely benign (1 of 4 stars; one submission).

Allele frequency attached by ClinVar (database versions not stated): gnomAD exomes below 0.00001; ExAC 0.00001.
gnomAD v4.1: 1 of 1,612,878 alleles (0.000062%); highest among the groups gnomAD compares: East Asian, 0.0022%; no homozygotes.

Submission:

CeGaT Center for Human Genetics Tuebingen
Classification: Likely benign. Last evaluated: 2024-03-01. Review status: criteria provided, single submitter. Criteria: CeGaT Center For Human Genetics Tuebingen Variant Classification Criteria Version 2. Collection method: clinical testing. Allele origin: germline. Affected: yes. Observed: 1 variant allele.
Comment: NTNG2: BP4, BP7

NM_032536.4(NTNG2):c.597C>T (p.Tyr199=)

Gene: NTNG2 (netrin G2; plus strand). Cytogenetic location: 9q34.13.
Variant type: single nucleotide variant.
Coding change: c.597C>T on transcript NM_032536.4 (MANE Select); coding-DNA position 597, C replaced by T.
Protein change: p.Tyr199=; no amino-acid change (tyrosine 199 retained).
Molecular consequence: synonymous variant.
Genome position (GRCh38, 1-based): chr9:132,198,349, C>T. VCF-style: chr9-132198349-C-T. GRCh37 (hg19) VCF-style: chr9-135073736-C-T.
Identifiers: ClinVar variation 3067742 (VCV003067742.21), dbSNP rs780180768, ClinGen allele CA5295953.